The following is an entry in ClinVar:

NM_001042492.3(NF1):c.6477del (p.Lys2160fs)

Gene: NF1 (neurofibromin 1; plus strand). Cytogenetic location: 17q11.2.
Variant type: Deletion.
Coding change: c.6477del on transcript NM_001042492.3 (MANE Select); coding-DNA position 6477, one base deleted (C; older notation c.6477delC).
Protein change: p.Lys2160fs; shifts the reading frame from lysine 2160.
Molecular consequence: frameshift variant.
Genome position (GRCh38, 1-based): chr17:31,337,417, C deleted; the last of 3 consecutive C bases (chr17:31,337,415-31,337,417); deleting any one gives the same sequence. VCF-style (leftmost placement, unchanged base first): chr17-31337414-AC-A. GRCh37 (hg19) VCF-style: chr17-29664432-AC-A.
Other names: c.6414delC, p.Lys2139Asnfs (NM_000267.4); short protein forms K2139fs, K2160fs.
Identifiers: ClinVar variation 1070593 (VCV001070593.5), dbSNP rs2151556101, ClinGen allele CA2499224190.

ClinVar aggregate classification (germline): Pathogenic (1 of 4 stars; one submission).

Conditions:
Neurofibromatosis, type 1 (NF1). Also called: VON RECKLINGHAUSEN DISEASE; Peripheral type neurofibromatosis; NEUROFIBROMATOSIS, TYPE I, SOMATIC; Neurofibromatosis, type I. Identifiers: Orphanet 636, MedGen C0027831, MONDO:0018975, OMIM 162200. Disease mechanism: loss of function.

Submission:

Labcorp Genetics (formerly Invitae), Labcorp
Classification: Pathogenic for Neurofibromatosis, type 1. Last evaluated: 2022-06-19. Review status: criteria provided, single submitter. Criteria: Invitae Variant Classification Sherloc (09022015). Collection method: clinical testing. Allele origin: germline.
Comment: For these reasons, this variant has been classified as Pathogenic. ClinVar contains an entry for this variant (Variation ID: 1070593). This variant has not been reported in the literature in individuals affected with NF1-related conditions. This variant is not present in population databases (gnomAD no frequency). This sequence change creates a premature translational stop signal (p.Lys2139Asnfs*40) in the NF1 gene. It is expected to result in an absent or disrupted protein product. Loss-of-function variants in NF1 are known to be pathogenic (PMID: 10712197, 23913538).

Literature cited by the submitters: PubMed 10712197; PubMed 23913538.